The following is an entry in ClinVar:

NM_000350.3(ABCA4):c.2472C>T (p.Ile824=)

Gene: ABCA4 (ATP binding cassette subfamily A member 4; minus strand). Cytogenetic location: 1p22.1.
Variant type: single nucleotide variant.
Coding change: c.2472C>T on transcript NM_000350.3 (MANE Select); coding-DNA position 2472, C replaced by T.
Protein change: p.Ile824=; no amino-acid change (isoleucine 824 retained).
Molecular consequence: synonymous variant.
Genome position (GRCh38, 1-based): chr1:94,055,226, G>A on the plus strand (C>T on the coding strand, the complement: ABCA4 is on the minus strand). VCF-style: chr1-94055226-G-A. GRCh37 (hg19) VCF-style: chr1-94520782-G-A.
Other names: c.2250C>T, p.Ile750= (NM_001425324.1).
Identifiers: ClinVar variation 99137 (VCV000099137.9), dbSNP rs61749434, ClinGen allele CA227002.
Genomic context (GRCh38, chr1:94,055,226, plus strand): 5'-GAGCATCATCTGCATGGACAGCAGGAAGCTGAATTCGTCCCCTTCCGTGGGACTGTTCCC[G>A]ATGTTGCTCCACTGCAGCCCCAGGCCTTGCTCTTCAAAGCGAACCAGGTACTCAGTGCCA-3'
Protein context (NP_000341.2, residues 814-834): EQGLGLQWSN[Ile824=]GNSPTEGDEF

ClinVar aggregate classification (germline): Likely benign. Review status: criteria provided, multiple submitters, no conflicts (2 of 4 stars). 3 submissions from 3 submitters: Likely benign (2). 1 of the submissions does not count toward it. Last evaluated 2025-12-23.

Conditions:
ABCA4-related disorder. Also called: ABCA4-related condition; ABCA4-related disorders. Identifiers: MedGen CN239167.

Allele frequency attached by ClinVar (database versions not stated): ExAC 0.00003; gnomAD exomes 0.00004; gnomAD 0.00007; TOPMed 0.00007.

Submissions (3):

PreventionGenetics, part of Exact Sciences
Classification: Likely benign for ABCA4-related condition. Last evaluated: 2025-12-23. Review status: criteria provided, single submitter. Criteria: ACMG Guidelines, 2015. Collection method: clinical testing. Allele origin: germline.
Comment: This variant is classified as likely benign based on ACMG/AMP sequence variant interpretation guidelines (Richards et al. 2015 PMID: 25741868, with internal and published modifications).

Labcorp Genetics (formerly Invitae), Labcorp
Classification: Likely benign. Last evaluated: 2024-11-11. Review status: criteria provided, single submitter. Criteria: Invitae Variant Classification Sherloc (09022015). Collection method: clinical testing. Allele origin: germline.

Retina International
No classification provided. Review status: no classification provided. Collection method: not provided. Allele origin: not provided. Not counted in ClinVar's aggregate classification.